The following is an entry in ClinVar:

ClinVar aggregate classification (germline): Pathogenic/Likely pathogenic. Review status: criteria provided, multiple submitters, no conflicts (2 of 4 stars). 2 submissions from 2 submitters: Pathogenic (1); Likely pathogenic (1). Last evaluated 2026-06-05.

Conditions:
O'Donnell-Luria-Rodan syndrome (ODLURO). Also called: KMT2E-Related Neurodevelopmental Disorder. Identifiers: MedGen C5193138, MONDO:0032793, OMIM 618512.

Submissions (2):

GeneDx
Classification: Pathogenic. Last evaluated: 2026-06-05. Review status: criteria provided, single submitter. Criteria: GeneDx Variant Classification Process June 2021. Collection method: clinical testing. Allele origin: germline.
Comment: Reported in a patient with KMT2E-related neurodevelopmental disorder in the literature (PMID: 39843441); Nonsense variant predicted to result in protein truncation or nonsense mediated decay in a gene for which loss of function is a known mechanism of disease; Not observed at significant frequency in large population cohorts (gnomAD); This variant is associated with the following publications: (PMID: 39843441)

3billion
Classification: Likely pathogenic for O'Donnell-Luria-Rodan syndrome. Last evaluated: 2023-02-23. Review status: criteria provided, single submitter. Criteria: ACMG Guidelines, 2015. Collection method: clinical testing. Allele origin: unknown. Affected: yes.
Comment: The variant is not observed in the gnomAD v2.1.1 dataset. This variant was predicted to result in a loss or disruption of normal protein function through nonsense-mediated decay (NMD) or protein truncation. Multiple pathogenic variants are reported downstream of the variant. Therefore, this variant is classified as Likely pathogenic according to the recommendation of ACMG/AMP guideline.

NM_182931.3(KMT2E):c.1213C>T (p.Arg405Ter)

Gene: KMT2E (lysine methyltransferase 2E (inactive); plus strand). Cytogenetic location: 7q22.3.
Variant type: single nucleotide variant.
Coding change: c.1213C>T on transcript NM_182931.3 (MANE Select); coding-DNA position 1213, C replaced by T.
Protein change: p.Arg405Ter; replaces arginine 405 with a stop codon.
Molecular consequence: nonsense.
Genome position (GRCh38, 1-based): chr7:105,078,928, C>T. VCF-style: chr7-105078928-C-T. GRCh37 (hg19) VCF-style: chr7-104719375-C-T.
Other names: c.1213C>T, p.Arg405Ter (NM_001410908.1, NM_018682.4); c.1213C>T (NM_182931.2); short protein forms R405*.
Identifiers: ClinVar variation 2444043 (VCV002444043.3), dbSNP rs2536432550, ClinGen allele CA368780352.